The following is an entry in ClinVar:

NM_020884.7(MYH7B):c.3623C>T (p.Ala1208Val)

Gene: MYH7B (myosin heavy chain 7B; plus strand). Cytogenetic location: 20q11.22.
Variant type: single nucleotide variant.
Coding change: c.3623C>T on transcript NM_020884.7 (MANE Select); coding-DNA position 3623, C replaced by T.
Protein change: p.Ala1208Val; replaces alanine 1208 with valine.
Molecular consequence: missense variant.
Genome position (GRCh38, 1-based): chr20:34,997,516, C>T. VCF-style: chr20-34997516-C-T. GRCh37 (hg19) VCF-style: chr20-33585319-C-T.
Other names: short protein forms A1208V.
Identifiers: ClinVar variation 1436232 (VCV001436232.6), dbSNP rs372505798, ClinGen allele CA9827792.

ClinVar aggregate classification (germline): Uncertain significance (1 of 4 stars; one submission).

Allele frequency attached by ClinVar (database versions not stated): ESP Exome Variant Server 0.00023; 1000 Genomes Project 0.00040; 1000 Genomes Project 30x 0.00047.
gnomAD v4.1: 376 of 1,598,676 alleles (0.024%); highest among the groups gnomAD compares: Admixed American, 0.098%; no homozygotes.

Submission:

Labcorp Genetics (formerly Invitae), Labcorp
Classification: Uncertain significance. Last evaluated: 2025-08-18. Review status: criteria provided, single submitter. Criteria: Invitae Variant Classification Sherloc (09022015). Collection method: clinical testing. Allele origin: germline.
Comment: This sequence change replaces alanine, which is neutral and non-polar, with valine, which is neutral and non-polar, at codon 1250 of the MYH7B protein (p.Ala1250Val). This variant is present in population databases (rs372505798, gnomAD 0.09%), and has an allele count higher than expected for a pathogenic variant. This variant has not been reported in the literature in individuals affected with MYH7B-related conditions. ClinVar contains an entry for this variant (Variation ID: 1436232). Invitae Evidence Modeling of protein sequence and biophysical properties (such as structural, functional, and spatial information, amino acid conservation, physicochemical variation, residue mobility, and thermodynamic stability) indicates that this missense variant is not expected to disrupt MYH7B protein function with a negative predictive value of 80%. In summary, the available evidence is currently insufficient to determine the role of this variant in disease. Therefore, it has been classified as a Variant of Uncertain Significance.